The following is an entry in ClinVar:

ClinVar aggregate classification (germline): Benign/Likely benign. Review status: criteria provided, multiple submitters, no conflicts (2 of 4 stars). 3 submissions from 3 submitters: Benign (2); Likely benign (1). Last evaluated 2025-12-25.

Allele frequency attached by ClinVar (database versions not stated): gnomAD exomes 0.00060 and 0.00161; ExAC 0.00188; gnomAD 0.00355 and 0.00359; TOPMed 0.00376; ESP Exome Variant Server 0.00408; 1000 Genomes Project 30x 0.00625; 1000 Genomes Project 0.00659.
gnomAD v4.1: 1,448 of 1,613,816 alleles (0.09%); highest among the groups gnomAD compares: African/African-American, 1.1%; 9 homozygotes.

Submissions (3):

Labcorp Genetics (formerly Invitae), Labcorp
Classification: Benign. Last evaluated: 2025-12-25. Review status: criteria provided, single submitter. Criteria: Invitae Variant Classification Sherloc (09022015). Collection method: clinical testing. Allele origin: germline.

Blueprint Genetics
Classification: Likely benign. Last evaluated: 2024-10-18. Review status: criteria provided, single submitter. Criteria: ACMG Guidelines, 2015. Collection method: clinical testing. Allele origin: germline.

GeneDx
Classification: Benign. Last evaluated: 2016-12-16. Review status: criteria provided, single submitter. Criteria: GeneDx Variant Classification (06012015). Collection method: clinical testing. Allele origin: germline. Affected: yes.
Comment: This variant is considered likely benign or benign based on one or more of the following criteria: it is a conservative change, it occurs at a poorly conserved position in the protein, it is predicted to be benign by multiple in silico algorithms, and/or has population frequency not consistent with disease.

NM_002291.3(LAMB1):c.4929C>T (p.Asn1643=)

Gene: LAMB1 (laminin subunit beta 1; minus strand). Cytogenetic location: 7q31.1.
Variant type: single nucleotide variant.
Coding change: c.4929C>T on transcript NM_002291.3 (MANE Select); coding-DNA position 4929, C replaced by T.
Protein change: p.Asn1643=; no amino-acid change (asparagine 1643 retained).
Molecular consequence: synonymous variant.
Genome position (GRCh38, 1-based): chr7:107,926,318, G>A on the plus strand (C>T on the coding strand, the complement: LAMB1 is on the minus strand). VCF-style: chr7-107926318-G-A. GRCh37 (hg19) VCF-style: chr7-107566763-G-A.
Identifiers: ClinVar variation 386186 (VCV000386186.12), dbSNP rs139263832, ClinGen allele CA4434891.
Genomic context (GRCh38, chr7:107,926,318, plus strand): 5'-GGCAGCTTTCCGCTTAAGTTCTTCCACATTCCTCTCTAACTCGCTGATGCGCTGGGACGC[G>A]TTGAACAAGGTTTCCTCAGAAGCTGCTGTTTCAGACTCAATCTAAAAGCATGTCAATTTT-3'
Protein context (NP_002282.2, residues 1633-1653): ETAASEETLF[Asn1643=]ASQRISELER